The following is an entry in ClinVar:

NM_015192.4(PLCB1):c.723C>T (p.Thr241=)

Gene: PLCB1 (phospholipase C beta 1; plus strand). Cytogenetic location: 20p12.3.
Variant type: single nucleotide variant.
Coding change: c.723C>T on transcript NM_015192.4 (MANE Select); coding-DNA position 723, C replaced by T.
Protein change: p.Thr241=; no amino-acid change (threonine 241 retained).
Molecular consequence: synonymous variant.
Genome position (GRCh38, 1-based): chr20:8,658,565, C>T. VCF-style: chr20-8658565-C-T. GRCh37 (hg19) VCF-style: chr20-8639212-C-T.
Other names: c.723C>T, p.Thr241= (NM_182734.3).
Identifiers: ClinVar variation 1605224 (VCV001605224.16), dbSNP rs781550034, ClinGen allele CA9759816.
Genomic context (GRCh38, chr20:8,658,565, plus strand): 5'-AATTCTTATTGCTTGGTTTTTCATTGTTTTTAGTGGTGCAAAAAGCAAACCATATCTTAC[C>T]GTTGATCAGATGATGGATTTTATCAACCTTAAGCAGCGAGATCCTCGGCTTAATGAAATA-3'
Protein context (NP_056007.1, residues 231-251): EFGAKSKPYL[Thr241=]VDQMMDFINL

ClinVar aggregate classification (germline): Likely benign. Review status: criteria provided, multiple submitters, no conflicts (2 of 4 stars). 2 submissions from 2 submitters: Likely benign (2). Last evaluated 2025-10-07.

Conditions:
Developmental and epileptic encephalopathy, 12 (DEE12). Identifiers: MedGen C3150988, MONDO:0013389, OMIM 613722.

Allele frequency attached by ClinVar (database versions not stated): ExAC 0.00001; gnomAD 0.00001; gnomAD exomes 0.00001; TOPMed 0.00002.
gnomAD v4.1: 21 of 1,609,316 alleles (0.0013%); highest among the groups gnomAD compares: Non-Finnish European, 0.0014%; no homozygotes.

Submissions (2):

Labcorp Genetics (formerly Invitae), Labcorp
Classification: Likely benign for Developmental and epileptic encephalopathy, 12. Last evaluated: 2025-10-07. Review status: criteria provided, single submitter. Criteria: Invitae Variant Classification Sherloc (09022015). Collection method: clinical testing. Allele origin: germline.

CeGaT Center for Human Genetics Tuebingen
Classification: Likely benign. Last evaluated: 2025-10-01. Review status: criteria provided, single submitter. Criteria: CeGaT Center For Human Genetics Tuebingen Variant Classification Criteria Version 2. Collection method: clinical testing. Allele origin: germline. Affected: yes. Observed: 2 variant alleles.
Comment: PLCB1: BP4, BP7